The following is an entry in ClinVar:

ClinVar aggregate classification (germline): Conflicting classifications of pathogenicity. Review status: criteria provided, conflicting classifications (1 of 4 stars). 5 submissions from 5 submitters: Uncertain significance (4); Benign (1). Last evaluated 2026-05-26.

Conditions:
Hereditary cancer-predisposing syndrome. Also called: Tumor predisposition; Neoplastic Syndromes, Hereditary; Hereditary neoplastic syndrome; Hereditary Cancer Syndrome. Identifiers: Orphanet 140162, MedGen C0027672, MeSH D009386, MONDO:0015356.
Familial cancer of breast. Also called: Hereditary breast cancer; BREAST CANCER, FAMILIAL; hereditary breast carcinoma. Identifiers: Orphanet 227535, MedGen C0346153, MONDO:0016419, OMIM 114480. Disease mechanism: loss of function.
Hereditary diffuse gastric adenocarcinoma (HDGC). Also called: DIFFUSE GASTRIC AND LOBULAR BREAST CANCER SYNDROME. Identifiers: Orphanet 26106, MedGen C1708349, MONDO:0007648, OMIM 137215.

Allele frequency attached by ClinVar (database versions not stated): gnomAD exomes 0.00001 and below 0.00001.
gnomAD v4.1: 1 of 1,535,066 alleles (0.000065%); highest among the groups gnomAD compares: Non-Finnish European, 0.000087%; no homozygotes.

Submissions (5):

Ambry Genetics
Classification: Benign for Hereditary cancer-predisposing syndrome. Last evaluated: 2026-05-26. Review status: criteria provided, single submitter. Criteria: Ambry Variant Classification Scheme 2023. Collection method: clinical testing. Allele origin: germline.

GeneDx
Classification: Uncertain significance. Last evaluated: 2024-10-06. Review status: criteria provided, single submitter. Criteria: GeneDx Variant Classification Process June 2021. Collection method: clinical testing. Allele origin: germline. Affected: yes.
Comment: Not observed at significant frequency in large population cohorts (gnomAD); In silico analysis indicates that this missense variant does not alter protein structure/function; Has not been previously published as pathogenic or benign to our knowledge; This variant is associated with the following publications: (PMID: 15235021)

Labcorp Genetics (formerly Invitae), Labcorp
Classification: Uncertain significance for Hereditary diffuse gastric adenocarcinoma. Last evaluated: 2024-02-17. Review status: criteria provided, single submitter. Criteria: Invitae Variant Classification Sherloc (09022015). Collection method: clinical testing. Allele origin: germline.
Comment: This sequence change replaces serine, which is neutral and polar, with threonine, which is neutral and polar, at codon 7 of the CDH1 protein (p.Ser7Thr). This variant is present in population databases (no rsID available, gnomAD 0.002%). This variant has not been reported in the literature in individuals affected with CDH1-related conditions. ClinVar contains an entry for this variant (Variation ID: 820715). An algorithm developed to predict the effect of missense changes on protein structure and function (PolyPhen-2) suggests that this variant is likely to be tolerated. In summary, the available evidence is currently insufficient to determine the role of this variant in disease. Therefore, it has been classified as a Variant of Uncertain Significance.

Baylor Genetics
Classification: Uncertain significance for Familial cancer of breast. Last evaluated: 2023-11-14. Review status: criteria provided, single submitter. Criteria: ACMG Guidelines, 2015. Collection method: clinical testing. Allele origin: unknown.

Color Diagnostics, LLC DBA Color Health
Classification: Uncertain significance for Hereditary cancer-predisposing syndrome. Last evaluated: 2023-05-01. Review status: criteria provided, single submitter. Criteria: ACMG Guidelines, 2015. Collection method: clinical testing. Allele origin: germline.
Comment: This missense variant replaces serine with threonine at codon 7 of the CDH1 protein. To our knowledge, functional studies have not been reported for this variant. This variant has not been reported in individuals affected with CDH1-related disorders in the literature. This variant has been identified in 1/130472 chromosomes in the general population by the Genome Aggregation Database (gnomAD). The available evidence is insufficient to determine the role of this variant in disease conclusively. Therefore, this variant is classified as a Variant of Uncertain Significance.

NM_004360.5(CDH1):c.20G>C (p.Ser7Thr)

Gene: CDH1 (cadherin 1; plus strand). Cytogenetic location: 16q22.1.
Variant type: single nucleotide variant.
Coding change: c.20G>C on transcript NM_004360.5 (MANE Select); coding-DNA position 20, G replaced by C.
Protein change: p.Ser7Thr; replaces serine 7 with threonine.
Molecular consequence: missense variant. On other transcripts: 5 prime UTR variant (2).
Genome position (GRCh38, 1-based): chr16:68,737,435, G>C. VCF-style: chr16-68737435-G-C. GRCh37 (hg19) VCF-style: chr16-68771338-G-C.
Other names: c.20G>C, p.Ser7Thr (NM_001317184.2); c.-1596G>C (NM_001317185.2); c.-1800G>C (NM_001317186.2); short protein forms S7T.
Identifiers: ClinVar variation 820715 (VCV000820715.20), dbSNP rs1310934198, ClinGen allele CA396451307.